The following is an entry in ClinVar:

NM_002470.4(MYH3):c.4109C>T (p.Ala1370Val)

Gene: MYH3 (myosin heavy chain 3; minus strand). Cytogenetic location: 17p13.1.
Variant type: single nucleotide variant.
Coding change: c.4109C>T on transcript NM_002470.4 (MANE Select); coding-DNA position 4109, C replaced by T.
Protein change: p.Ala1370Val; replaces alanine 1370 with valine.
Molecular consequence: missense variant.
Genome position (GRCh38, 1-based): chr17:10,635,430, G>A on the plus strand (C>T on the coding strand, the complement: MYH3 is on the minus strand). VCF-style: chr17-10635430-G-A. GRCh37 (hg19) VCF-style: chr17-10538747-G-A.
Other names: short protein forms A1370V.
Identifiers: ClinVar variation 321728 (VCV000321728.12), dbSNP rs200964415, ClinGen allele CA8392307.

ClinVar aggregate classification (germline): Conflicting classifications of pathogenicity. Review status: criteria provided, conflicting classifications (1 of 4 stars). 5 submissions from 4 submitters: Uncertain significance (3); Likely benign (2). Last evaluated 2025-12-29.

Conditions:
Distal arthrogryposis type 2B1 (DA2B1). Also called: Arthrogryposis multiplex congenita distal type II with craniofacial abnormalities. Identifiers: Orphanet 1147, MedGen C5193014, MONDO:0020820, OMIM 601680.
Freeman-Sheldon syndrome (DA2A). Also called: CRANIOCARPOTARSAL DYSPLASIA; CRANIOCARPOTARSAL DYSTROPHY; WHISTLING FACE-WINDMILL VANE HAND SYNDROME; Arthrogryposis, distal, type 2A (Freeman-Sheldon). Identifiers: Orphanet 2053, MedGen C0265224, MONDO:0008675, OMIM 193700.
Inborn genetic diseases. Identifiers: MedGen C0950123, MeSH D030342.

Allele frequency attached by ClinVar (database versions not stated): ESP Exome Variant Server 0.00008; gnomAD exomes 0.00012 and 0.00019; ExAC 0.00016; gnomAD 0.00017; TOPMed 0.00019.
gnomAD v4.1: 206 of 1,613,956 alleles (0.013%); highest among the groups gnomAD compares: Middle Eastern, 0.049%; no homozygotes.

Submissions (5):

Labcorp Genetics (formerly Invitae), Labcorp
Classification: Uncertain significance. Last evaluated: 2025-12-29. Review status: criteria provided, single submitter. Criteria: Invitae Variant Classification Sherloc (09022015). Collection method: clinical testing. Allele origin: germline.
Comment: This sequence change replaces alanine, which is neutral and non-polar, with valine, which is neutral and non-polar, at codon 1370 of the MYH3 protein (p.Ala1370Val). This variant is present in population databases (rs200964415, gnomAD 0.03%). This variant has not been reported in the literature in individuals affected with MYH3-related conditions. ClinVar contains an entry for this variant (Variation ID: 321728). Invitae Evidence Modeling of protein sequence and biophysical properties (such as structural, functional, and spatial information, amino acid conservation, physicochemical variation, residue mobility, and thermodynamic stability) indicates that this missense variant is not expected to disrupt MYH3 protein function with a negative predictive value of 95%. In summary, the available evidence is currently insufficient to determine the role of this variant in disease. Therefore, it has been classified as a Variant of Uncertain Significance.

Blueprint Genetics
Classification: Likely benign. Last evaluated: 2024-10-15. Review status: criteria provided, single submitter. Criteria: ACMG Guidelines, 2015. Collection method: clinical testing. Allele origin: germline.

Ambry Genetics
Classification: Uncertain significance for Inborn genetic diseases. Last evaluated: 2024-08-11. Review status: criteria provided, single submitter. Criteria: Ambry Variant Classification Scheme 2023. Collection method: clinical testing. Allele origin: germline.

Illumina Laboratory Services, Illumina
Classification: Uncertain significance for Distal arthrogryposis type 2B1. Last evaluated: 2018-01-13. Review status: criteria provided, single submitter. Criteria: ICSL Variant Classification Criteria 13 December 2019. Collection method: clinical testing. Allele origin: germline.

Illumina Laboratory Services, Illumina
Classification: Likely benign for Freeman-Sheldon syndrome. Last evaluated: 2018-01-13. Review status: criteria provided, single submitter. Criteria: ICSL Variant Classification Criteria 13 December 2019. Collection method: clinical testing. Allele origin: germline.
Comment: This variant was observed in the ICSL laboratory as part of a predisposition screen in an ostensibly healthy population. It had not been previously curated by ICSL or reported in the Human Gene Mutation Database (HGMD: prior to June 1st, 2018), and was therefore a candidate for classification through an automated scoring system. Utilizing variant allele frequency, disease prevalence and penetrance estimates, and inheritance mode, an automated score was calculated to assess if this variant is too frequent to cause the disease. Based on the score and internal cut-off values, a variant classified as likely benign is not then subjected to further curation. The score for this variant resulted in a classification of likely benign for this disease.